The following is an entry in ClinVar:

NM_014321.4(ORC6):c.340G>A (p.Ala114Thr)

Gene: ORC6 (origin recognition complex subunit 6; plus strand). Cytogenetic location: 16q11.2.
Variant type: single nucleotide variant.
Coding change: c.340G>A on transcript NM_014321.4 (MANE Select); coding-DNA position 340, G replaced by A.
Protein change: p.Ala114Thr; replaces alanine 114 with threonine.
Molecular consequence: missense variant. On other transcripts: non-coding transcript variant (1).
Genome position (GRCh38, 1-based): chr16:46,692,526, G>A. VCF-style: chr16-46692526-G-A. GRCh37 (hg19) VCF-style: chr16-46726438-G-A.
Other names: short protein forms A114T.
Identifiers: ClinVar variation 2048246 (VCV002048246.1), dbSNP rs143913118, ClinGen allele CA8037351.

ClinVar aggregate classification (germline): Uncertain significance (1 of 4 stars; one submission).

Allele frequency attached by ClinVar (database versions not stated): gnomAD exomes 0.00004; gnomAD 0.00006; ExAC 0.00008; TOPMed 0.00015; 1000 Genomes Project 30x 0.00047; 1000 Genomes Project 0.00060.

Submission:

Labcorp Genetics (formerly Invitae), Labcorp
Classification: Uncertain significance. Last evaluated: 2022-04-24. Review status: criteria provided, single submitter. Criteria: Invitae Variant Classification Sherloc (09022015). Collection method: clinical testing. Allele origin: germline.
Comment: This sequence change replaces alanine, which is neutral and non-polar, with threonine, which is neutral and polar, at codon 114 of the ORC6 protein (p.Ala114Thr). This variant is present in population databases (rs143913118, gnomAD 0.2%). This variant has not been reported in the literature in individuals affected with ORC6-related conditions. Algorithms developed to predict the effect of missense changes on protein structure and function (SIFT, PolyPhen-2, Align-GVGD) all suggest that this variant is likely to be disruptive. In summary, the available evidence is currently insufficient to determine the role of this variant in disease. Therefore, it has been classified as a Variant of Uncertain Significance.